The following is an entry in ClinVar:

NM_000361.3(THBD):c.1090G>A (p.Glu364Lys)

Gene: THBD (thrombomodulin; minus strand). Cytogenetic location: 20p11.21.
Variant type: single nucleotide variant.
Coding change: c.1090G>A on transcript NM_000361.3 (MANE Select); coding-DNA position 1090, G replaced by A.
Protein change: p.Glu364Lys; replaces glutamic acid 364 with lysine.
Molecular consequence: missense variant.
Genome position (GRCh38, 1-based): chr20:23,048,415, C>T on the plus strand (G>A on the coding strand, the complement: THBD is on the minus strand). VCF-style: chr20-23048415-C-T. GRCh37 (hg19) VCF-style: chr20-23029052-C-T.
Other names: short protein forms E364K.
Identifiers: ClinVar variation 2061528 (VCV002061528.4), dbSNP rs763407520, ClinGen allele CA9787627.
Genomic context (GRCh38, chr20:23,048,415, plus strand): 5'-TTTGGTTCAGGGGCTGGCACTGGTACTCGCAGTTGGCTCTGAAGCACGGGTCCACGGGCT[C>T]CACACACTCGCCGTCCACCAGGTCGTAGTTAGGGTAGCAGTGGCACTCGAAGCCACCCTG-3'
Protein context (NP_000352.1, residues 354-374): NYDLVDGECV[Glu364Lys]PVDPCFRANC

ClinVar aggregate classification (germline): Uncertain significance (1 of 4 stars; one submission).

Allele frequency attached by ClinVar (database versions not stated): ExAC 0.00001; TOPMed 0.00001.
gnomAD v4.1: 25 of 1,614,000 alleles (0.0015%); highest among the groups gnomAD compares: Non-Finnish European, 0.0021%; no homozygotes.

Submission:

Labcorp Genetics (formerly Invitae), Labcorp
Classification: Uncertain significance. Last evaluated: 2025-02-26. Review status: criteria provided, single submitter. Criteria: Invitae Variant Classification Sherloc (09022015). Collection method: clinical testing. Allele origin: germline.
Comment: This sequence change replaces glutamic acid, which is acidic and polar, with lysine, which is basic and polar, at codon 364 of the THBD protein (p.Glu364Lys). This variant is present in population databases (rs763407520, gnomAD 0.0009%). This variant has not been reported in the literature in individuals affected with THBD-related conditions. ClinVar contains an entry for this variant (Variation ID: 2061528). Invitae Evidence Modeling of protein sequence and biophysical properties (such as structural, functional, and spatial information, amino acid conservation, physicochemical variation, residue mobility, and thermodynamic stability) indicates that this missense variant is not expected to disrupt THBD protein function with a negative predictive value of 80%. In summary, the available evidence is currently insufficient to determine the role of this variant in disease. Therefore, it has been classified as a Variant of Uncertain Significance.